The following is an entry in ClinVar:

NM_012431.3(SEMA3E):c.1952C>G (p.Thr651Ser)

Gene: SEMA3E (semaphorin 3E; minus strand). Cytogenetic location: 7q21.11.
Variant type: single nucleotide variant.
Coding change: c.1952C>G on transcript NM_012431.3 (MANE Select); coding-DNA position 1952, C replaced by G.
Protein change: p.Thr651Ser; replaces threonine 651 with serine.
Molecular consequence: missense variant.
Genome position (GRCh38, 1-based): chr7:83,367,962, G>C on the plus strand (C>G on the coding strand, the complement: SEMA3E is on the minus strand). VCF-style: chr7-83367962-G-C. GRCh37 (hg19) VCF-style: chr7-82997278-G-C.
Other names: c.1772C>G, p.Thr591Ser (NM_001178129.2); short protein forms T591S, T651S.
Identifiers: ClinVar variation 3656330 (VCV003656330.2).

ClinVar aggregate classification (germline): Uncertain significance (1 of 4 stars; one submission).

Conditions:
CHARGE syndrome (CHARGE). Also called: Hittner Hirsch Kreh syndrome; CHARGE ASSOCIATION--COLOBOMA, HEART ANOMALY, CHOANAL ATRESIA, RETARDATION, GENITAL AND EAR ANOMALIES; Coloboma, heart anomaly, choanal atresia, retardation, genital and ear anomalies; CHARGE association; Hall-Hittner syndrome. Identifiers: Orphanet 138, MedGen C0265354, MONDO:0008965.

gnomAD v4.1: 1 of 1,613,594 alleles (0.000062%); highest among the groups gnomAD compares: Non-Finnish European, 0.000085%; no homozygotes.

Submission:

Labcorp Genetics (formerly Invitae), Labcorp
Classification: Uncertain significance for CHARGE syndrome. Last evaluated: 2024-06-12. Review status: criteria provided, single submitter. Criteria: Invitae Variant Classification Sherloc (09022015). Collection method: clinical testing. Allele origin: germline.
Comment: This sequence change replaces threonine, which is neutral and polar, with serine, which is neutral and polar, at codon 651 of the SEMA3E protein (p.Thr651Ser). This variant is not present in population databases (gnomAD no frequency). This variant has not been reported in the literature in individuals affected with SEMA3E-related conditions. Advanced modeling of protein sequence and biophysical properties (such as structural, functional, and spatial information, amino acid conservation, physicochemical variation, residue mobility, and thermodynamic stability) performed at Invitae indicates that this missense variant is not expected to disrupt SEMA3E protein function with a negative predictive value of 80%. In summary, the available evidence is currently insufficient to determine the role of this variant in disease. Therefore, it has been classified as a Variant of Uncertain Significance.